The following is an entry in ClinVar:

ClinVar aggregate classification (germline): Pathogenic. Review status: reviewed by expert panel (3 of 4 stars). 12 submissions from 12 submitters: Pathogenic (1). 11 of the submissions do not count toward it. Last evaluated 2017-03-17.

Conditions:
CFTR-related disorder (CFTR-RD). Also called: CFTR-related condition; CFTR-related disorders. Identifiers: MedGen C5924204, MONDO:7770004.
Bronchiectasis with or without elevated sweat chloride 1 (BESC1). Also called: Cystic Fibrosis-Like Syndrome. Identifiers: Orphanet 60033, MedGen C2749757, MONDO:0008887, OMIM 211400.
Cystic fibrosis (CF). Also called: MUCOVISCIDOSIS. Identifiers: Orphanet 586, MedGen C0010674, MONDO:0009061, OMIM 219700. Disease mechanism: loss of function.

Allele frequency attached by ClinVar (database versions not stated): TOPMed 0.00001.
gnomAD v4.1: 5 of 1,613,638 alleles (0.00031%); highest among the groups gnomAD compares: African/African-American, 0.004%; no homozygotes.

Submissions (12):

CFTR2
Classification: Pathogenic for Cystic fibrosis. Last evaluated: 2017-03-17. Review status: reviewed by expert panel. Criteria: Sosnay PR et al. (Nat Genet 2013). Collection method: research. Allele origin: germline. Affected: yes. Study: CFTR2.

Natera, Inc.
Classification: Pathogenic for CFTR-related disorders. Last evaluated: 2025-08-05. Review status: criteria provided, single submitter. Criteria: Natera Variant Classification Schema (03/2026). Collection method: clinical testing. Allele origin: germline. Not counted in ClinVar's aggregate classification.
Comment: The c.3764C>A variant in CFTR is a nonsense variant predicted to introduce a stop codon at amino acid 1255. This variant is expected to result in nonsense mediated decay, truncation, or a dysfunctional protein product. This variant is rare in the general population with a frequency below the threshold expected for the associated phenotype(s). This variant has been observed in one or more individuals affected with the associated recessive disease, as either homozygous or compound heterozygous with a second variant (PMID: 2233965, 28546993). Given the available evidence, this variant is classified as Pathogenic.

Labcorp Genetics (formerly Invitae), Labcorp
Classification: Pathogenic for Cystic fibrosis. Last evaluated: 2025-01-23. Review status: criteria provided, single submitter. Criteria: Invitae Variant Classification Sherloc (09022015). Collection method: clinical testing. Allele origin: germline. Not counted in ClinVar's aggregate classification.
Comment: This sequence change creates a premature translational stop signal (p.Ser1255*) in the CFTR gene. It is expected to result in an absent or disrupted protein product. Loss-of-function variants in CFTR are known to be pathogenic (PMID: 1695717, 7691345, 9725922). This variant is present in population databases (rs76649725, gnomAD 0.007%). This premature translational stop signal has been observed in individual(s) with cystic fibrosis (PMID: 2233965, 26708955). ClinVar contains an entry for this variant (Variation ID: 7125). For these reasons, this variant has been classified as Pathogenic.

PreventionGenetics, part of Exact Sciences
Classification: Pathogenic for CFTR-related condition. Last evaluated: 2024-12-12. Review status: criteria provided, single submitter. Criteria: ACMG Guidelines, 2015. Collection method: clinical testing. Allele origin: germline. Not counted in ClinVar's aggregate classification.
Comment: The CFTR c.3764C>A variant is predicted to result in premature protein termination (p.Ser1255*). This variant is well-established to be causative for cystic fibrosis (see for examples, Tsui et al. 1992. PubMed ID: 1284534; Sosnay et al. 2013. PubMed ID: 23974870). This variant is reported in 0.012% of alleles in individuals of African descent in gnomAD. Nonsense variants in CFTR are expected to be pathogenic. This variant is interpreted as pathogenic.

Baylor Genetics
Classification: Pathogenic for Bronchiectasis with or without elevated sweat chloride 1. Last evaluated: 2023-04-20. Review status: criteria provided, single submitter. Criteria: ACMG Guidelines, 2015. Collection method: clinical testing. Allele origin: unknown. Not counted in ClinVar's aggregate classification.

Ambry Genetics
Classification: Pathogenic for Cystic fibrosis. Last evaluated: 2022-10-07. Review status: criteria provided, single submitter. Criteria: Ambry Variant Classification Scheme 2023. Collection method: clinical testing. Allele origin: germline. Not counted in ClinVar's aggregate classification.
Comment: The p.S1255* pathogenic mutation (also known as c.3764C>A), located in coding exon 23 of the CFTR gene, results from a C to A substitution at nucleotide position 3764. This changes the amino acid from a serine to a stop codon within coding exon 23. In one study, this mutation was seen in an individual with pancreatic disease, mild pulmonary involvement, and a second nonsense alteration confirmed in trans (Cutting GR et al. N. Engl. J. Med., 1990 Dec;323:1685-9). In addition to the clinical data presented in the literature, this alteration is expected to result in loss of function by premature protein truncation or nonsense-mediated mRNA decay. As such, this alteration is interpreted as a disease-causing mutation.

Mayo Clinic Laboratories, Mayo Clinic
Classification: Pathogenic. Last evaluated: 2022-06-28. Review status: criteria provided, single submitter. Criteria: ACMG Guidelines, 2015. Collection method: clinical testing. Allele origin: germline. Observed: 2 variant alleles. Not counted in ClinVar's aggregate classification.
Comment: PM2, PM3_strong, PVS1

Myriad Genetics, Inc.
Classification: Pathogenic for Cystic fibrosis. Last evaluated: 2019-12-07. Review status: criteria provided, single submitter. Criteria: Myriad Women's Health Autosomal Recessive and X-Linked Classification Criteria (2019). Collection method: clinical testing. Allele origin: unknown. Not counted in ClinVar's aggregate classification.
Comment: NM_000492.3(CFTR):c.3764C>A(S1255*) is classified as pathogenic in the context of cystic fibrosis. Sources cited for classification include the following: PMID 26708955. Classification of NM_000492.3(CFTR):c.3764C>A(S1255*) is based on the following criteria: The variant causes a premature termination codon that is expected to be targeted by nonsense-mediated mRNA decay and is reported in individuals with the relevant phenotype. Please note: this variant was assessed in the context of healthy population screening.

ARUP Laboratories, Molecular Genetics and Genomics, ARUP Laboratories
Classification: Pathogenic. Last evaluated: 2019-09-25. Review status: criteria provided, single submitter. Criteria: ARUP Molecular Germline Variant Investigation Process. Collection method: clinical testing. Allele origin: germline. Not counted in ClinVar's aggregate classification.
Comment: The CFTR c.3764C>A; p.Ser1255Ter variant (rs76649725) is reported in the literature in multiple individuals affected with cystic fibrosis (Behar 2017, Cutting 1990, Macek 1997, CFTR2 database). In at least one affected individual, this variant was confirmed in trans to a second pathogenic variant (Cutting 1990). Several other reports indicate this variant also occurs in cis to a missense variant, p.Ile1203Val (Behar 2017, Cutting 1992). The p.Ser1255Ter variant is found on only two chromosomes (2/251034 alleles) in the Genome Aggregation Database. This variant induces an early termination codon and is predicted to result in a truncated protein or mRNA subject to nonsense-mediated decay. Based on available information, this variant is considered to be pathogenic. References: CFTR2 database: Behar DM et al. Nationwide genetic analysis for molecularly unresolved cystic fibrosis patients in a multiethnic society: implications for preconception carrier screening. Mol Genet Genomic Med. 2017 Feb 19;5(3):223-236. Cutting GR et al. Analysis of four diverse population groups indicates that a subset of cystic fibrosis mutations occur in common among Caucasians. Am J Hum Genet. 1992 Jun;50(6):1185-94. Cutting GR et al. Two patients with cystic fibrosis, nonsense mutations in each cystic fibrosis gene, and mild pulmonary disease. N Engl J Med. 1990 Dec 13;323(24):1685-9. Macek M Jr et al. Identification of common cystic fibrosis mutations in African-Americans with cystic fibrosis increases the detection rate to 75%. Am J Hum Genet. 1997 May;60(5):1122-7.

Mendelics
Classification: Pathogenic for Cystic fibrosis. Last evaluated: 2018-11-05. Review status: criteria provided, single submitter. Criteria: Mendelics Assertion Criteria 2017. Collection method: clinical testing. Allele origin: unknown. Affected: yes. Not counted in ClinVar's aggregate classification.

Women's Health and Genetics/Laboratory Corporation of America, LabCorp
Classification: Pathogenic. Last evaluated: 2018-10-05. Review status: criteria provided, single submitter. Criteria: LabCorp Variant Classification Summary - May 2015. Collection method: clinical testing. Allele origin: germline. Not counted in ClinVar's aggregate classification.
Comment: Variant summary: CFTR c.3764C>A (p.Ser1255X) results in a premature termination codon, predicted to cause a truncation of the encoded protein or absence of the protein due to nonsense mediated decay, which are commonly known mechanisms for disease. Truncations downstream of this position have been classified as pathogenic by our laboratory (e.g. p.Leu1258fsX7, p.Trp1282X, p.Ile1295fsX32). The variant allele was found at a frequency of 4.1e-06 in 245776 control chromosomes (gnomAD). c.3764C>A has been reported in the literature in individuals affected with Cystic Fibrosis (Cutting_1992, Macek_1997, Sugarman_2004, Sontag_2016). These data indicate that the variant is likely to be associated with disease. Two clinical diagnostic laboratories have submitted clinical-significance assessments for this variant to ClinVar after 2014 without evidence for independent evaluation, and both laboratories classified the variant as pathogenic. Based on the evidence outlined above, the variant was classified as pathogenic.

OMIM
Classification: Pathogenic for CYSTIC FIBROSIS. Last evaluated: 1990-12-13. Review status: no assertion criteria provided. Collection method: literature only. Allele origin: germline. Not counted in ClinVar's aggregate classification.

Literature cited by the submitters: PubMed 2233965 (cited by 4 submitters); PubMed 28546993 (cited by Natera, Inc.); PubMed 1695717 (cited by Labcorp Genetics (formerly Invitae), Labcorp); PubMed 7691345 (cited by Labcorp Genetics (formerly Invitae), Labcorp); PubMed 9725922 (cited by Labcorp Genetics (formerly Invitae), Labcorp); PubMed 26708955 (cited by Labcorp Genetics (formerly Invitae), Labcorp and Myriad Genetics, Inc.); PubMed 27131402 (cited by Women's Health and Genetics/Laboratory Corporation of America, LabCorp); PubMed 15371903 (cited by Women's Health and Genetics/Laboratory Corporation of America, LabCorp); PubMed 9150159 (cited by Women's Health and Genetics/Laboratory Corporation of America, LabCorp); PubMed 1376017 (cited by Women's Health and Genetics/Laboratory Corporation of America, LabCorp).

NM_000492.4(CFTR):c.3764C>A (p.Ser1255Ter)

Genes: CFTR (CF transmembrane conductance regulator; plus strand), CFTR-AS2 (CFTR antisense RNA 2; minus strand). Cytogenetic location: 7q31.2.
Variant type: single nucleotide variant.
Coding change: c.3764C>A on transcript NM_000492.4 (MANE Select); coding-DNA position 3764, C replaced by A.
Protein change: p.Ser1255Ter; replaces serine 1255 with a stop codon.
Molecular consequence: nonsense.
Genome position (GRCh38, 1-based): chr7:117,642,484, C>A. VCF-style: chr7-117642484-C-A. GRCh37 (hg19) VCF-style: chr7-117282538-C-A.
Other names: p.Ser1255*; short protein forms S1255*.
Identifiers: ClinVar variation 7125 (VCV000007125.32), dbSNP rs76649725, ClinGen allele CA325525.